The following is an entry in ClinVar:

ClinVar aggregate classification (germline): Uncertain significance (1 of 4 stars; one submission).

Conditions:
Cardiovascular phenotype. Identifiers: MedGen CN230736.

Submission:

Ambry Genetics
Classification: Uncertain significance for Cardiovascular phenotype. Last evaluated: 2026-01-21. Review status: criteria provided, single submitter. Criteria: Ambry Variant Classification Scheme 2023. Collection method: clinical testing. Allele origin: germline.
Comment: The p.K1407N variant (also known as c.4221G>C), located in coding exon 10 of the TNXB gene, results from a G to C substitution at nucleotide position 4221. The lysine at codon 1407 is replaced by asparagine, an amino acid with similar properties. This amino acid position is conserved. In addition, this alteration is predicted to be tolerated by in silico analysis. Based on the available evidence, the clinical significance of this variant remains unclear.

NM_001365276.2(TNXB):c.4221G>C (p.Lys1407Asn)

Gene: TNXB (tenascin XB; minus strand). Cytogenetic location: 6p21.33.
Variant type: single nucleotide variant.
Coding change: c.4221G>C on transcript NM_001365276.2 (MANE Select); coding-DNA position 4221, G replaced by C.
Protein change: p.Lys1407Asn; replaces lysine 1407 with asparagine.
Molecular consequence: missense variant.
Genome position (GRCh38, 1-based): chr6:32,079,187, C>G on the plus strand (G>C on the coding strand, the complement: TNXB is on the minus strand). VCF-style: chr6-32079187-C-G. GRCh37 (hg19) VCF-style: chr6-32046964-C-G.
Other names: c.4962G>C, p.Lys1654Asn (NM_001428335.1); c.4221G>C, p.Lys1407Asn (NM_019105.8); short protein forms K1407N, K1654N.
Identifiers: ClinVar variation 4824397 (VCV004824397.1).